The following is an entry in ClinVar:

ClinVar aggregate classification (germline): Uncertain significance (1 of 4 stars; one submission).

Conditions:
Factor XIII, A subunit, deficiency of. Also called: Factor XIII subunit A deficiency. Identifiers: Orphanet 331, MedGen C2750514, MONDO:0013187, OMIM 613225, HP:0040233.

Submission:

3billion
Classification: Uncertain significance for Factor XIII, A subunit, deficiency of. Last evaluated: 2022-09-01. Review status: criteria provided, single submitter. Criteria: ACMG Guidelines, 2015. Collection method: clinical testing. Allele origin: germline. Affected: yes. Observed: 1 homozygote.
Comment: The variant is not observed in the gnomAD v2.1.1 dataset. Missense changes are a common disease-causing mechanism. In silico tool predictions suggest damaging effect of the variant on gene or gene product (REVEL: 0.90; 3Cnet: 0.62). Same nucleotide change resulting in same amino acid change has been previously reported to be associated with F13A1-related disorder (PMID: 12801297). However, the evidence of pathogenicity is insufficient at this time. Therefore, this variant is classified as uncertain significance according to the recommendation of ACMG/AMP guideline.

Literature cited by the submitters: PubMed 12801297.

NM_000129.4(F13A1):c.707T>G (p.Leu236Arg)

Gene: F13A1 (coagulation factor XIII A chain; minus strand). Cytogenetic location: 6p25.1.
Variant type: single nucleotide variant.
Coding change: c.707T>G on transcript NM_000129.4 (MANE Select); coding-DNA position 707, T replaced by G.
Protein change: p.Leu236Arg; replaces leucine 236 with arginine.
Molecular consequence: missense variant.
Genome position (GRCh38, 1-based): chr6:6,248,403, A>C on the plus strand (T>G on the coding strand, the complement: F13A1 is on the minus strand). VCF-style: chr6-6248403-A-C. GRCh37 (hg19) VCF-style: chr6-6248636-A-C.
Other names: short protein forms L236R.
Identifiers: ClinVar variation 1705322 (VCV001705322.1), dbSNP rs2480648323, ClinGen allele CA362740442.